The following is an entry in ClinVar:

ClinVar aggregate classification (germline): Uncertain significance (1 of 4 stars; one submission).

Conditions:
Dilated cardiomyopathy 1JJ (CMD1JJ). Identifiers: Orphanet 154, MedGen C3808935, MONDO:0014095, OMIM 615235.

Allele frequency attached by ClinVar (database versions not stated): TOPMed below 0.00001.
gnomAD v4.1: 2 of 1,613,990 alleles (0.00012%); highest among the groups gnomAD compares: East Asian, 0.0022%; no homozygotes.

Submission:

Labcorp Genetics (formerly Invitae), Labcorp
Classification: Uncertain significance for Dilated cardiomyopathy 1JJ. Last evaluated: 2024-01-29. Review status: criteria provided, single submitter. Criteria: Invitae Variant Classification Sherloc (09022015). Collection method: clinical testing. Allele origin: germline.
Comment: This sequence change replaces alanine, which is neutral and non-polar, with serine, which is neutral and polar, at codon 1807 of the LAMA4 protein (p.Ala1807Ser). This variant is not present in population databases (gnomAD no frequency). This variant has not been reported in the literature in individuals affected with LAMA4-related conditions. ClinVar contains an entry for this variant (Variation ID: 999603). An algorithm developed to predict the effect of missense changes on protein structure and function (PolyPhen-2) suggests that this variant is likely to be disruptive. In summary, the available evidence is currently insufficient to determine the role of this variant in disease. Therefore, it has been classified as a Variant of Uncertain Significance.

NM_001105206.3(LAMA4):c.5440G>T (p.Ala1814Ser)

Gene: LAMA4 (laminin subunit alpha 4; minus strand). Cytogenetic location: 6q21.
Variant type: single nucleotide variant.
Coding change: c.5440G>T on transcript NM_001105206.3 (MANE Select); coding-DNA position 5440, G replaced by T.
Protein change: p.Ala1814Ser; replaces alanine 1814 with serine.
Molecular consequence: missense variant.
Genome position (GRCh38, 1-based): chr6:112,109,469, C>A on the plus strand (G>T on the coding strand, the complement: LAMA4 is on the minus strand). VCF-style: chr6-112109469-C-A. GRCh37 (hg19) VCF-style: chr6-112430672-C-A.
Other names: c.5419G>T, p.Ala1807Ser (NM_001105207.3, NM_002290.5); short protein forms A1807S, A1814S.
Identifiers: ClinVar variation 999603 (VCV000999603.8), dbSNP rs1048588170, ClinGen allele CA365363198.